The following is an entry in ClinVar:

NM_000782.5(CYP24A1):c.109C>T (p.Gln37Ter)

Gene: CYP24A1 (cytochrome P450 family 24 subfamily A member 1; minus strand). Cytogenetic location: 20q13.2.
Variant type: single nucleotide variant.
Coding change: c.109C>T on transcript NM_000782.5 (MANE Select); coding-DNA position 109, C replaced by T.
Protein change: p.Gln37Ter; replaces glutamine 37 with a stop codon.
Molecular consequence: nonsense.
Genome position (GRCh38, 1-based): chr20:54,173,471, G>A on the plus strand (C>T on the coding strand, the complement: CYP24A1 is on the minus strand). VCF-style: chr20-54173471-G-A. GRCh37 (hg19) VCF-style: chr20-52790010-G-A.
Other names: c.109C>T, p.Gln37Ter (NM_001128915.2, NM_001424340.1, NM_001424341.1 and 2 more transcripts); short protein forms Q37*.
Identifiers: ClinVar variation 3234027 (VCV003234027.1), dbSNP rs2516404261, ClinGen allele CA409393868.
Genomic context (GRCh38, chr20:54,173,471, plus strand): 5'-CGGCCGCGTTCTGAGTCTCGCCACCAGCTGTCAGCGGGCAGACTGGCACCTCTCGCGGCT[G>A]AGGGGACGTGTACGCCGTAGATGTCACCAGTCTCGGGGGCTGCCTCGGACTGCGCAGCTG-3'

ClinVar aggregate classification (germline): Pathogenic (1 of 4 stars; one submission).

Conditions:
Hypercalcemia, infantile, 1 (HCINF1). Identifiers: Orphanet 300547, MedGen CN031131, MONDO:0020739, OMIM 143880.

Allele frequency attached by ClinVar (database versions not stated): gnomAD exomes below 0.00001.
gnomAD v4.1: 1 of 1,566,436 alleles (0.000064%); highest among the groups gnomAD compares: African/African-American, 0.0014%; no homozygotes.

Submission:

MVZ Medizinische Genetik Mainz
Classification: Pathogenic for Hypercalcemia, infantile, 1. Last evaluated: 2021-11-11. Review status: criteria provided, single submitter. Criteria: UK Practice Guidelines For Variant Classification V4 01 2020. Collection method: clinical testing. Allele origin: germline. Inheritance: Autosomal recessive inheritance. Affected: yes. Observed: 1 variant allele.
Comment: ACMG Criteria: PVS1, PM2_SUP, PM3, PP4